The following is an entry in ClinVar:

ClinVar aggregate classification (germline): Uncertain significance (1 of 4 stars; one submission).

Submission:

Women's Health and Genetics/Laboratory Corporation of America, LabCorp
Classification: Uncertain significance. Last evaluated: 2024-07-16. Review status: criteria provided, single submitter. Criteria: LabCorp Variant Classification Summary - May 2015. Collection method: clinical testing. Allele origin: germline.
Comment: Variant summary: SMPD1 c.740G>C (p.Gly247Ala) results in a non-conservative amino acid change in the encoded protein sequence. Four of four in-silico tools predict a damaging effect of the variant on protein function. The variant was absent in 248598 control chromosomes (gnomAD). The available data on variant occurrences in the general population are insufficient to allow any conclusion about variant significance. To our knowledge, no occurrence of c.740G>C in individuals affected with Niemann-Pick Disease and no experimental evidence demonstrating its impact on protein function have been reported. A different variant affecting the same codon has been classified as pathogenic by our lab (c.739G>A, p.Gly247Ser ), supporting the critical relevance of codon 247 to SMPD1 protein function. No submitters have cited clinical-significance assessments for this variant to ClinVar. Based on the evidence outlined above, the variant was classified as uncertain significance.

NM_000543.5(SMPD1):c.740G>C (p.Gly247Ala)

Gene: SMPD1 (sphingomyelin phosphodiesterase 1; plus strand). Cytogenetic location: 11p15.4.
Variant type: single nucleotide variant.
Coding change: c.740G>C on transcript NM_000543.5 (MANE Select); coding-DNA position 740, G replaced by C.
Protein change: p.Gly247Ala; replaces glycine 247 with alanine.
Molecular consequence: missense variant. On other transcripts: 5 prime UTR variant (1), non-coding transcript variant (1).
Genome position (GRCh38, 1-based): chr11:6,391,805, G>C. VCF-style: chr11-6391805-G-C. GRCh37 (hg19) VCF-style: chr11-6413035-G-C.
Other names: c.737G>C, p.Gly246Ala (NM_001007593.3); c.740G>C, p.Gly247Ala (NM_001318087.2, NM_001365135.2); c.-222G>C (NM_001318088.2); short protein forms G246A, G247A.
Identifiers: ClinVar variation 3339486 (VCV003339486.1).
Genomic context (GRCh38, chr11:6,391,805, plus strand): 5'-TGTGCTGCCGCCGGGGTTCTGGCCTGCCGCCCGCATCCCGGCCAGGTGCCGGATACTGGG[G>C]CGAATACAGCAAGTGTGACCTGCCCCTGAGGACCCTGGAGAGCCTGTTGAGTGGGCTGGG-3'
Protein context (NP_000534.3, residues 237-257): PASRPGAGYW[Gly247Ala]EYSKCDLPLR